The following is an entry in ClinVar:

NM_001433705.1(NLRP5):c.663A>C (p.Ser221=)

Genes: NLRP5 (NLR family pyrin domain containing 5; plus strand), LOC126862935 (BRD4-independent group 4 enhancer GRCh37_chr19:56537936-56539135; plus strand). Cytogenetic location: 19q13.43.
Variant type: single nucleotide variant.
Coding change: c.663A>C on transcript NM_001433705.1 (MANE Select); coding-DNA position 663, A replaced by C.
Protein change: p.Ser221=; no amino-acid change (serine 221 retained).
Molecular consequence: synonymous variant.
Genome position (GRCh38, 1-based): chr19:56,027,049, A>C. VCF-style: chr19-56027049-A-C. GRCh37 (hg19) VCF-style: chr19-56538415-A-C.
Other names: NM_153447.4:c.816A>C.
Identifiers: ClinVar variation 3048097 (VCV003048097.2), dbSNP rs147869537, ClinGen allele CA9685365.
Genomic context (GRCh38, chr19:56,027,049, plus strand): 5'-TTTTGAAAACACTGCTGCTGACTGGCCGGAAATGCAAACGTTGGCTGGTGCTTTTGATTC[A>C]GACCGGTGGGGCTTCCGGCCTCGCACGGTGGTTCTGCACGGAAAGTCAGGAATTGGGAAA-3'
Protein context (NP_001420634.1, residues 211-231): EMQTLAGAFD[Ser221=]DRWGFRPRTV

ClinVar aggregate classification (germline): Benign (0 of 4 stars; one submission).

Conditions:
NLRP5-related disorder. Also called: NLRP5-related condition.

Allele frequency attached by ClinVar (database versions not stated): ExAC 0.00053; 1000 Genomes Project 0.00220; gnomAD exomes 0.00022; TOPMed 0.00024; gnomAD 0.00026; 1000 Genomes Project 30x 0.00172.
gnomAD v4.1: 349 of 1,553,906 alleles (0.022%); highest among the groups gnomAD compares: East Asian, 0.69%; 1 homozygote.

Submission:

PreventionGenetics, part of Exact Sciences
Classification: Benign for NLRP5-related condition. Last evaluated: 2019-04-08. Review status: no assertion criteria provided. Collection method: clinical testing. Allele origin: germline.
Comment: This variant is classified as benign based on ACMG/AMP sequence variant interpretation guidelines (Richards et al. 2015 PMID: 25741868, with internal and published modifications).